The following is an entry in ClinVar:

ClinVar aggregate classification (germline): Uncertain significance (1 of 4 stars; one submission).

Conditions:
Hereditary cancer-predisposing syndrome. Also called: Tumor predisposition; Neoplastic Syndromes, Hereditary; Hereditary Cancer Syndrome; Hereditary neoplastic syndrome. Identifiers: Orphanet 140162, MedGen C0027672, MeSH D009386, MONDO:0015356.

Submission:

Ambry Genetics
Classification: Uncertain significance for Hereditary cancer-predisposing syndrome. Last evaluated: 2024-07-31. Review status: criteria provided, single submitter. Criteria: Ambry Variant Classification Scheme 2023. Collection method: clinical testing. Allele origin: germline.
Comment: The c.6841+3_6841+6delAAGT intronic variant begins 3 nucleotides after coding exon 10 in the BRCA2 gene. This variant results from a deletion of 4 nucleotides at positions c.6841+3 to c.6841+6. This nucleotide region is well conserved in available vertebrate species. In silico splice site analysis predicts that this alteration will weaken the native splice donor site. Based on the available evidence, the clinical significance of this variant remains unclear.

NM_000059.4(BRCA2):c.6841+3_6841+6del

Gene: BRCA2 (BRCA2 DNA repair associated; plus strand). Cytogenetic location: 13q13.1.
Variant type: Deletion.
Coding change: c.6841+3_6841+6del on transcript NM_000059.4 (MANE Select); bases 3 to 6 of the intron after coding-DNA position 6841, 4 bases deleted (AAGT; older notation c.6841+3_6841+6delAAGT).
Molecular consequence: splice donor variant. On other transcripts: intron variant (2).
Genome position (GRCh38, 1-based): chr13:32,341,199-32,341,202, AAGT deleted; deleting any 4 consecutive bases within chr13:32,341,197-32,341,202 gives the same sequence; the c. name uses the placement nearest the transcript's 3' end. VCF-style (leftmost placement, unchanged base first): chr13-32341196-GGTAA-G. GRCh37 (hg19) VCF-style: chr13-32915333-GGTAA-G.
Other names: c.6841+3_6841+6del (NM_001432077.1, NM_001406720.1, NM_001406719.1); c.1910-3359_1910-3356del (NM_001406721.1); c.425-3359_425-3356del (NM_001406722.1).
Identifiers: ClinVar variation 3482024 (VCV003482024.1).
Genomic context (GRCh38, chr13:32,341,196, plus strand): 5'-GAAATGGTTTTGTCAAATTCAAGAATTGGAAAAAGAAGAGGAGAGCCCCTTATCTTAGTG[GGTAA>G]GTGTTCATTTTTACCTTTCGTGTTGCCAATCACTATTTTTAAAGTGTTTATTCAGTAGAC-3'